The following is an entry in ClinVar:

ClinVar aggregate classification (germline): Likely benign (1 of 4 stars; one submission).

Conditions:
Arrhythmogenic right ventricular cardiomyopathy (ARVD). Also called: Arrhythmogenic right ventricular dysplasia; Cardiomyopathy, ARVC; Arrhythmogenic cardiomyopathy; Arrhythmogenic Right Ventricular Cardiomyopathy (ARVC). Identifiers: Orphanet 247, MedGen C0349788, MeSH D019571, MONDO:0016587. Disease mechanism: loss of function. Inheritance: Various modes of inheritance.

Submission:

All of Us Research Program, National Institutes of Health
Classification: Likely benign for Arrhythmogenic right ventricular cardiomyopathy. Last evaluated: 2023-07-19. Review status: criteria provided, single submitter. Criteria: ACMG Guidelines, 2015. Collection method: clinical testing. Allele origin: germline. Inheritance: Autosomal dominant inheritance. Observed: 1 variant allele, 1 heterozygote.
Comment: This study involves interpretation of variants in research participants for the purpose of population health screening. Participant phenotype was not available at the time of variant classification. Additional details can be found in publication PMID: 35346344, PMCID: PMC8962531

NM_001005242.3(PKP2):c.729C>T (p.Tyr243=)

Gene: PKP2 (plakophilin 2; minus strand). Cytogenetic location: 12p11.21.
Variant type: single nucleotide variant.
Coding change: c.729C>T on transcript NM_001005242.3 (MANE Select); coding-DNA position 729, C replaced by T.
Protein change: p.Tyr243=; no amino-acid change (tyrosine 243 retained).
Molecular consequence: synonymous variant.
Genome position (GRCh38, 1-based): chr12:32,878,151, G>A on the plus strand (C>T on the coding strand, the complement: PKP2 is on the minus strand). VCF-style: chr12-32878151-G-A. GRCh37 (hg19) VCF-style: chr12-33031085-G-A.
Other names: c.729C>T, p.Tyr243= (NM_001407155.1, NM_001407156.1, NM_001407157.1 and 2 more transcripts); c.402C>T, p.Tyr134= (NM_001407158.1, NM_001407159.1, NM_001407160.1 and 1 more transcripts).
Identifiers: ClinVar variation 3072448 (VCV003072448.1), dbSNP rs2541340094, ClinGen allele CA479387517.
Genomic context (GRCh38, chr12:32,878,151, plus strand): 5'-CGTCAGGTAGTTCTCCTTCTCCAAGAGGTTGCCCATGCTGCGGCTGGTCCCTGGCCTGGG[G>A]TACGTGAGCAGGGCCGGGTTGGCAGGGATGCTGTCAAAAACGGTGTCGCTAACAGAGCCA-3'
Protein context (NP_001005242.2, residues 233-253): SIPANPALLT[Tyr243=]PRPGTSRSMG